The following is an entry in ClinVar:

NM_181703.4(GJA5):c.591C>G (p.Tyr197Ter)

Genes: GJA5 (gap junction protein alpha 5; minus strand), LOC122128420 (Sharpr-MPRA regulatory region 3144; plus strand). Cytogenetic location: 1q21.2.
Variant type: single nucleotide variant.
Coding change: c.591C>G on transcript NM_181703.4 (MANE Select); coding-DNA position 591, C replaced by G.
Protein change: p.Tyr197Ter; replaces tyrosine 197 with a stop codon.
Molecular consequence: nonsense.
Genome position (GRCh38, 1-based): chr1:147,758,648, G>C on the plus strand (C>G on the coding strand, the complement: GJA5 is on the minus strand). VCF-style: chr1-147758648-G-C. GRCh37 (hg19) VCF-style: chr1-147230756-G-C.
Other names: c.591C>G, p.Tyr197Ter (NM_005266.7); short protein forms Y197*.
Identifiers: ClinVar variation 3759603 (VCV003759603.2).
Genomic context (GRCh38, chr1:147,758,648, plus strand): 5'-CAGTGCAGCCACAGCCAGCATAAAGACAATGAAGACATTCTTCTCTGTGGGCCGGGATAC[G>C]TAACAGTTGACCGGGTGGGGACAGGGACTCCTGCGGCAGACATGCAGGGTGGTCAGGAAG-3'

ClinVar aggregate classification (germline): Uncertain significance (1 of 4 stars; one submission).

Conditions:
Atrial fibrillation, familial, 11 (ATFB11). Identifiers: MedGen C3279693, MONDO:0013544, OMIM 614049.
Atrial standstill 1 (ATRST1). Also called: ATRIAL CARDIOMYOPATHY WITH HEART BLOCK; CARDIOMYOPATHY, FAMILIAL, WITH CONDUCTION DISTURBANCE; Atrial standstill, digenic (GJA5/SCN5A). Identifiers: Orphanet 1344, MedGen C4551959, MONDO:0007171, OMIM 108770.

gnomAD v4.1: 5 of 1,614,140 alleles (0.00031%); highest among the groups gnomAD compares: Non-Finnish European, 0.00042%; no homozygotes.

Submission:

Labcorp Genetics (formerly Invitae), Labcorp
Classification: Uncertain significance for Atrial fibrillation, familial, 11; Atrial standstill 1. Last evaluated: 2024-10-28. Review status: criteria provided, single submitter. Criteria: Invitae Variant Classification Sherloc (09022015). Collection method: clinical testing. Allele origin: germline.
Comment: This sequence change creates a premature translational stop signal (p.Tyr197*) in the GJA5 gene. While this is not anticipated to result in nonsense mediated decay, it is expected to disrupt the last 162 amino acid(s) of the GJA5 protein. This variant is not present in population databases (gnomAD no frequency). This variant has not been reported in the literature in individuals affected with GJA5-related conditions. In summary, the available evidence is currently insufficient to determine the role of this variant in disease. Therefore, it has been classified as a Variant of Uncertain Significance.